The following is an entry in ClinVar:

ClinVar aggregate classification (germline): Pathogenic (1 of 4 stars; one submission).

Submission:

Labcorp Genetics (formerly Invitae), Labcorp
Classification: Pathogenic. Last evaluated: 2021-05-31. Review status: criteria provided, single submitter. Criteria: Invitae Variant Classification Sherloc (09022015). Collection method: clinical testing. Allele origin: germline.
Comment: Algorithms developed to predict the effect of sequence changes on RNA splicing suggest that this variant may create or strengthen a splice site, but this prediction has not been confirmed by published transcriptional studies. For these reasons, this variant has been classified as Pathogenic. This variant has not been reported in the literature in individuals with NPHS1-related conditions. This variant is not present in population databases (ExAC no frequency). This sequence change creates a premature translational stop signal (p.Cys217Valfs*18) in the NPHS1 gene. It is expected to result in an absent or disrupted protein product. Loss-of-function variants in NPHS1 are known to be pathogenic (PMID: 11317351, 11854170, 12039988).

Literature cited by the submitters: PubMed 11317351; PubMed 11854170; PubMed 12039988.

NM_004646.4(NPHS1):c.649del (p.Cys217fs)

Gene: NPHS1 (NPHS1 adhesion molecule, nephrin; minus strand). Cytogenetic location: 19q13.12.
Variant type: Deletion.
Coding change: c.649del on transcript NM_004646.4 (MANE Select); coding-DNA position 649, one base deleted (T; older notation c.649delT).
Protein change: p.Cys217fs; shifts the reading frame from cysteine 217.
Molecular consequence: frameshift variant.
Genome position (GRCh38, 1-based): chr19:35,849,613, A deleted on the plus strand (T on the coding strand, the reverse complement: NPHS1 is on the minus strand). VCF-style (leftmost placement, unchanged base first): chr19-35849612-CA-C. GRCh37 (hg19) VCF-style: chr19-36340514-CA-C.
Other names: short protein forms C217fs.
Identifiers: ClinVar variation 1369825 (VCV001369825.6), dbSNP rs2146828473, ClinGen allele CA2573156265.